The following is an entry in ClinVar:

ClinVar aggregate classification (germline): Uncertain significance. Review status: criteria provided, multiple submitters, no conflicts (2 of 4 stars). 2 submissions from 2 submitters: Uncertain significance (2). Last evaluated 2025-11-17.

Conditions:
Primary dilated cardiomyopathy (DCM). Also called: Dilated Cardiomyopathy. Identifiers: Orphanet 217604, MedGen C0007193, MeSH D002311, MONDO:0005021, HP:0001644. Inheritance: Various modes of inheritance.
Hypertrophic cardiomyopathy. Also called: HYPERTROPHIC MYOCARDIOPATHY. Identifiers: Orphanet 217569, MedGen C0007194, MeSH D002312, MONDO:0005045, HP:0001639.

Allele frequency attached by ClinVar (database versions not stated): gnomAD exomes 0.00001 and 0.00002; TOPMed 0.00002; ExAC 0.00002; gnomAD 0.00002.
gnomAD v4.1: 24 of 1,614,028 alleles (0.0015%); highest among the groups gnomAD compares: East Asian, 0.0067%; no homozygotes.

Submissions (2):

Labcorp Genetics (formerly Invitae), Labcorp
Classification: Uncertain significance for Hypertrophic cardiomyopathy; Primary dilated cardiomyopathy. Last evaluated: 2025-11-17. Review status: criteria provided, single submitter. Criteria: Invitae Variant Classification Sherloc (09022015). Collection method: clinical testing. Allele origin: germline.
Comment: This sequence change replaces glycine, which is neutral and non-polar, with serine, which is neutral and polar, at codon 54 of the PDLIM3 protein (p.Gly54Ser). This variant is present in population databases (rs754889669, gnomAD 0.02%). This variant has not been reported in the literature in individuals affected with PDLIM3-related conditions. ClinVar contains an entry for this variant (Variation ID: 641760). Invitae Evidence Modeling of protein sequence and biophysical properties (such as structural, functional, and spatial information, amino acid conservation, physicochemical variation, residue mobility, and thermodynamic stability) has been performed for this missense variant. However, the output from this modeling did not meet the statistical confidence thresholds required to predict the impact of this variant on PDLIM3 protein function. In summary, the available evidence is currently insufficient to determine the role of this variant in disease. Therefore, it has been classified as a Variant of Uncertain Significance.

Women's Health and Genetics/Laboratory Corporation of America, LabCorp
Classification: Uncertain significance. Last evaluated: 2024-12-20. Review status: criteria provided, single submitter. Criteria: LabCorp Variant Classification Summary - May 2015. Collection method: clinical testing. Allele origin: germline.

NM_014476.6(PDLIM3):c.160G>A (p.Gly54Ser)

Gene: PDLIM3 (PDZ and LIM domain 3; minus strand). Cytogenetic location: 4q35.1.
Variant type: single nucleotide variant.
Coding change: c.160G>A on transcript NM_014476.6 (MANE Select); coding-DNA position 160, G replaced by A.
Protein change: p.Gly54Ser; replaces glycine 54 with serine.
Molecular consequence: missense variant. On other transcripts: non-coding transcript variant (1), intron variant (1).
Genome position (GRCh38, 1-based): chr4:185,525,105, C>T on the plus strand (G>A on the coding strand, the complement: PDLIM3 is on the minus strand). VCF-style: chr4-185525105-C-T. GRCh37 (hg19) VCF-style: chr4-186446259-C-T.
Other names: c.160G>A, p.Gly54Ser (NM_001114107.5, NM_001257962.2); c.93+10237G>A (NM_001257963.2); short protein forms G54S.
Identifiers: ClinVar variation 641760 (VCV000641760.10), dbSNP rs754889669, ClinGen allele CA3159893.